The following is an entry in ClinVar:

ClinVar aggregate classification (germline): Conflicting classifications of pathogenicity. Review status: criteria provided, conflicting classifications (1 of 4 stars). 7 submissions from 7 submitters: Uncertain significance (5); Likely benign (2). Last evaluated 2026-08-11.

Conditions:
Autosomal recessive nonsyndromic hearing loss 3. Also called: NEUROSENSORY NONSYNDROMIC RECESSIVE DEAFNESS 3. Identifiers: Orphanet 90636, MedGen C1838263, MONDO:0010860, OMIM 600316.
MYO15A-related disorder. Also called: MYO15A-related condition.

Allele frequency attached by ClinVar (database versions not stated): gnomAD 0.00023 and 0.00026; TOPMed 0.00032; ESP Exome Variant Server 0.00057.
gnomAD v4.1: 451 of 1,613,892 alleles (0.028%); highest among the groups gnomAD compares: Non-Finnish European, 0.034%; 1 homozygote.

Submissions (7):

PreventionGenetics, part of Exact Sciences
Classification: Uncertain significance for MYO15A-related condition. Last evaluated: 2026-08-11. Review status: criteria provided, single submitter. Criteria: ACMG Guidelines, 2015. Collection method: clinical testing. Allele origin: germline.
Comment: The MYO15A c.10394G>A variant is predicted to result in the amino acid substitution p.Arg3465Gln. This variant was reported in the heterozygous state along with a second MYO15A variant interpreted as likely benign in an individual with hearing loss (Table S3, Sloan-Heggen et al. 2016. PubMed ID: 26969326). This variant is reported in 0.034% of alleles in individuals of European (Non-Finnish) descent in gnomAD, including one homozygote. At this time, the clinical significance of this variant is uncertain due to the absence of conclusive functional and genetic evidence.

Labcorp Genetics (formerly Invitae), Labcorp
Classification: Likely benign. Last evaluated: 2025-09-24. Review status: criteria provided, single submitter. Criteria: Invitae Variant Classification Sherloc (09022015). Collection method: clinical testing. Allele origin: germline.

GeneDx
Classification: Uncertain significance. Last evaluated: 2025-09-02. Review status: criteria provided, single submitter. Criteria: GeneDx Variant Classification Process June 2021. Collection method: clinical testing. Allele origin: germline.
Comment: Reported in a patient with hearing loss in published literature (PMID: 26969326); In silico analysis supports that this missense variant has a deleterious effect on protein structure/function; This variant is associated with the following publications: (PMID: 27375115, 35346193, 26969326)

ARUP Laboratories, Molecular Genetics and Genomics, ARUP Laboratories
Classification: Uncertain significance for Autosomal recessive nonsyndromic hearing loss 3. Last evaluated: 2023-09-25. Review status: criteria provided, single submitter. Criteria: ARUP Molecular Germline Variant Investigation Process 2024. Collection method: clinical testing. Allele origin: germline.

CeGaT Center for Human Genetics Tuebingen
Classification: Uncertain significance. Last evaluated: 2023-09-01. Review status: criteria provided, single submitter. Criteria: CeGaT Center For Human Genetics Tuebingen Variant Classification Criteria Version 2. Collection method: clinical testing. Allele origin: germline. Affected: yes. Observed: 1 variant allele.
Comment: MYO15A: PM2, BP4

Laboratory for Molecular Medicine, Mass General Brigham Personalized Medicine
Classification: Likely benign. Last evaluated: 2018-02-27. Review status: criteria provided, single submitter. Criteria: LMM Criteria. Collection method: clinical testing. Allele origin: germline. Observed: 1 variant allele.
Comment: p.Arg3465Gln in exon 65 of MYO15A: This variant is not expected to have clinical significance because the amino acid residue at position 3465 is not conserved t hrough species with 3 mammals (marmoset, squirrel monkey, star-nosed mole) havin g a glutamine (Gln) at this position. This variant has also been identified in 44/125630 European chromosomes, including 1 homozygous individual, by the Genome Aggregation Database (gnomAD; dbSNP rs1997835 06). ACMG/AMP Criteria applied: BP4_Strong.

Illumina Laboratory Services, Illumina
Classification: Uncertain significance for Autosomal recessive nonsyndromic hearing loss 3. Last evaluated: 2017-08-01. Review status: criteria provided, single submitter. Criteria: ICSL Variant Classification Criteria 13 December 2019. Collection method: clinical testing. Allele origin: germline.
Comment: This variant was observed as part of a predisposition screen in an ostensibly healthy population. A literature search was performed for the gene, cDNA change, and amino acid change (where applicable). Publications were found based on this search. However, the evidence from the literature, in combination with allele frequency data from public databases where available, was not sufficient to rule this variant in or out of causing disease. Therefore, this variant is classified as a variant of unknown significance.

Literature cited by the submitters: PubMed 26969326 (cited by Laboratory for Molecular Medicine, Mass General Brigham Personalized Medicine and Illumina Laboratory Services, Illumina).

NM_016239.4(MYO15A):c.10394G>A (p.Arg3465Gln)

Gene: MYO15A (myosin XVA; plus strand). Cytogenetic location: 17p11.2.
Variant type: single nucleotide variant.
Coding change: c.10394G>A on transcript NM_016239.4 (MANE Select); coding-DNA position 10394, G replaced by A.
Protein change: p.Arg3465Gln; replaces arginine 3465 with glutamine.
Molecular consequence: missense variant.
Genome position (GRCh38, 1-based): chr17:18,173,824, G>A. VCF-style: chr17-18173824-G-A. GRCh37 (hg19) VCF-style: chr17-18077138-G-A.
Other names: short protein forms R3465Q.
Identifiers: ClinVar variation 439950 (VCV000439950.52), dbSNP rs199783506, ClinGen allele CA8425926.